The following is an entry in ClinVar:

ClinVar aggregate classification (germline): Uncertain significance (1 of 4 stars; one submission).

Conditions:
SYNCRIP-related neurodevelopmental disorder. Identifiers: MedGen CN376111, MONDO:0800456.

Submission:

3billion
Classification: Uncertain significance for SYNCRIP-related neurodevelopmental disorder. Last evaluated: 2022-03-22. Review status: criteria provided, single submitter. Criteria: ACMG Guidelines, 2015. Collection method: clinical testing. Allele origin: germline. Affected: yes. Observed: 1 heterozygote.
Comment: Stop-gained (nonsense): predicted to result in a loss or disruption of normal protein function through protein truncation. The predicted truncated protein may be shortened by more than 10%. It is not observed in the gnomAD v2.1.1 dataset. Therefore, this variant is classified as a variant of uncertain significance according to the recommendation of ACMG/AMP guideline.

NM_006372.5(SYNCRIP):c.1368T>G (p.Tyr456Ter)

Gene: SYNCRIP (synaptotagmin binding cytoplasmic RNA interacting protein; minus strand). Cytogenetic location: 6q14.3.
Variant type: single nucleotide variant.
Coding change: c.1368T>G on transcript NM_006372.5 (MANE Select); coding-DNA position 1368, T replaced by G.
Protein change: p.Tyr456Ter; replaces tyrosine 456 with a stop codon.
Molecular consequence: nonsense.
Genome position (GRCh38, 1-based): chr6:85,615,260, A>C on the plus strand (T>G on the coding strand, the complement: SYNCRIP is on the minus strand). VCF-style: chr6-85615260-A-C. GRCh37 (hg19) VCF-style: chr6-86324978-A-C.
Other names: c.1368T>G, p.Tyr456Ter (NM_001159676.2, NM_001159677.2); c.912T>G, p.Tyr304Ter (NM_001253771.2); c.1074T>G, p.Tyr358Ter (NM_001410938.1, NM_001159673.2); c.1263T>G, p.Tyr421Ter (NM_001159674.2, NM_001159675.2); short protein forms Y304*, Y358*, Y421*, Y456*.
Identifiers: ClinVar variation 1526182 (VCV001526182.2), dbSNP rs2128278447, ClinGen allele CA364900320.